The following is an entry in ClinVar:

ClinVar aggregate classification (germline): Uncertain significance (1 of 4 stars; one submission).

Allele frequency attached by ClinVar (database versions not stated): gnomAD exomes 0.00002; ExAC 0.00012; ESP Exome Variant Server 0.00031; gnomAD 0.00032; TOPMed 0.00035; 1000 Genomes Project 30x 0.00047; 1000 Genomes Project 0.00060.
gnomAD v4.1: 82 of 1,613,912 alleles (0.0051%); highest among the groups gnomAD compares: African/African-American, 0.085%; no homozygotes.

Submission:

Labcorp Genetics (formerly Invitae), Labcorp
Classification: Uncertain significance. Last evaluated: 2025-06-20. Review status: criteria provided, single submitter. Criteria: Invitae Variant Classification Sherloc (09022015). Collection method: clinical testing. Allele origin: germline.
Comment: This sequence change replaces isoleucine, which is neutral and non-polar, with serine, which is neutral and polar, at codon 1019 of the FAT2 protein (p.Ile1019Ser). This variant is present in population databases (rs201628760, gnomAD 0.1%), and has an allele count higher than expected for a pathogenic variant. This variant has not been reported in the literature in individuals affected with FAT2-related conditions. ClinVar contains an entry for this variant (Variation ID: 2200669). Invitae Evidence Modeling of protein sequence and biophysical properties (such as structural, functional, and spatial information, amino acid conservation, physicochemical variation, residue mobility, and thermodynamic stability) indicates that this missense variant is not expected to disrupt FAT2 protein function with a negative predictive value of 80%. In summary, the available evidence is currently insufficient to determine the role of this variant in disease. Therefore, it has been classified as a Variant of Uncertain Significance.

NM_001447.3(FAT2):c.3056T>G (p.Ile1019Ser)

Gene: FAT2 (FAT atypical cadherin 2; minus strand). Cytogenetic location: 5q33.1.
Variant type: single nucleotide variant.
Coding change: c.3056T>G on transcript NM_001447.3 (MANE Select); coding-DNA position 3056, T replaced by G.
Protein change: p.Ile1019Ser; replaces isoleucine 1019 with serine.
Molecular consequence: missense variant.
Genome position (GRCh38, 1-based): chr5:151,565,876, A>C on the plus strand (T>G on the coding strand, the complement: FAT2 is on the minus strand). VCF-style: chr5-151565876-A-C. GRCh37 (hg19) VCF-style: chr5-150945437-A-C.
Other names: short protein forms I1019S.
Identifiers: ClinVar variation 2200669 (VCV002200669.4), dbSNP rs201628760, ClinGen allele CA3521932.